The following is an entry in ClinVar:

ClinVar aggregate classification (germline): Uncertain significance. Review status: criteria provided, multiple submitters, no conflicts (2 of 4 stars). 2 submissions from 2 submitters: Uncertain significance (2). Last evaluated 2025-08-17.

Allele frequency attached by ClinVar (database versions not stated): TOPMed 0.00001.
gnomAD v4.1: 25 of 1,614,172 alleles (0.0015%); highest among the groups gnomAD compares: East Asian, 0.0022%; no homozygotes.

Submissions (2):

Labcorp Genetics (formerly Invitae), Labcorp
Classification: Uncertain significance. Last evaluated: 2025-08-17. Review status: criteria provided, single submitter. Criteria: Invitae Variant Classification Sherloc (09022015). Collection method: clinical testing. Allele origin: germline.
Comment: This sequence change replaces tyrosine, which is neutral and polar, with cysteine, which is neutral and slightly polar, at codon 972 of the LRP6 protein (p.Tyr972Cys). This variant is present in population databases (rs772441071, gnomAD 0.003%). This variant has not been reported in the literature in individuals affected with LRP6-related conditions. ClinVar contains an entry for this variant (Variation ID: 1318866). Invitae Evidence Modeling of protein sequence and biophysical properties (such as structural, functional, and spatial information, amino acid conservation, physicochemical variation, residue mobility, and thermodynamic stability) indicates that this missense variant is not expected to disrupt LRP6 protein function with a negative predictive value of 80%. In summary, the available evidence is currently insufficient to determine the role of this variant in disease. Therefore, it has been classified as a Variant of Uncertain Significance.

GeneDx
Classification: Uncertain significance. Last evaluated: 2018-09-12. Review status: criteria provided, single submitter. Criteria: GeneDx Variant Classification Process June 2021. Collection method: clinical testing. Allele origin: germline. Affected: yes.
Comment: In silico analysis, which includes protein predictors and evolutionary conservation, supports a deleterious effect

NM_002336.3(LRP6):c.2915A>G (p.Tyr972Cys)

Gene: LRP6 (LDL receptor related protein 6; minus strand). Cytogenetic location: 12p13.2.
Variant type: single nucleotide variant.
Coding change: c.2915A>G on transcript NM_002336.3 (MANE Select); coding-DNA position 2915, A replaced by G.
Protein change: p.Tyr972Cys; replaces tyrosine 972 with cysteine.
Molecular consequence: missense variant.
Genome position (GRCh38, 1-based): chr12:12,150,915, T>C on the plus strand (A>G on the coding strand, the complement: LRP6 is on the minus strand). VCF-style: chr12-12150915-T-C. GRCh37 (hg19) VCF-style: chr12-12303849-T-C.
Other names: short protein forms Y972C.
Identifiers: ClinVar variation 1318866 (VCV001318866.4), dbSNP rs772441071, ClinGen allele CA6455366.